The following is an entry in ClinVar:

NM_020778.5(ALPK3):c.1226A>T (p.Gln409Leu)

Gene: ALPK3 (alpha kinase 3; plus strand). Cytogenetic location: 15q25.3.
Variant type: single nucleotide variant.
Coding change: c.1226A>T on transcript NM_020778.5 (MANE Select); coding-DNA position 1226, A replaced by T.
Protein change: p.Gln409Leu; replaces glutamine 409 with leucine.
Molecular consequence: missense variant.
Genome position (GRCh38, 1-based): chr15:84,840,505, A>T. VCF-style: chr15-84840505-A-T. GRCh37 (hg19) VCF-style: chr15-85383736-A-T.
Other names: short protein forms Q409L.
Identifiers: ClinVar variation 1349322 (VCV001349322.6), dbSNP rs765187060, ClinGen allele CA273666053.
Genomic context (GRCh38, chr15:84,840,505, plus strand): 5'-CAGCCTCTGCTGTGGGCACTCCAGACAAGGCCCAGAAGGCCCCTGGCCCAGGCCCAGGCC[A>T]GGAAGTGTATTTCTCCTTGAAGGACATGTACCTGGAGAACACCCAGGCAGTCAGGCCTCT-3'
Protein context (NP_065829.4, residues 399-419): AQKAPGPGPG[Gln409Leu]EVYFSLKDMY

ClinVar aggregate classification (germline): Uncertain significance (1 of 4 stars; one submission).

gnomAD v4.1: 2 of 1,612,244 alleles (0.00012%); highest among the groups gnomAD compares: Non-Finnish European, 0.00017%; no homozygotes.

Submission:

Labcorp Genetics (formerly Invitae), Labcorp
Classification: Uncertain significance. Last evaluated: 2025-04-13. Review status: criteria provided, single submitter. Criteria: Invitae Variant Classification Sherloc (09022015). Collection method: clinical testing. Allele origin: germline.
Comment: This sequence change replaces glutamine, which is neutral and polar, with leucine, which is neutral and non-polar, at codon 611 of the ALPK3 protein (p.Gln611Leu). This variant is not present in population databases (gnomAD no frequency). This variant has not been reported in the literature in individuals affected with ALPK3-related conditions. ClinVar contains an entry for this variant (Variation ID: 1349322). Invitae Evidence Modeling of protein sequence and biophysical properties (such as structural, functional, and spatial information, amino acid conservation, physicochemical variation, residue mobility, and thermodynamic stability) indicates that this missense variant is expected to disrupt ALPK3 protein function with a positive predictive value of 80%. In summary, the available evidence is currently insufficient to determine the role of this variant in disease. Therefore, it has been classified as a Variant of Uncertain Significance.